The following is an entry in ClinVar:

ClinVar aggregate classification (germline): Uncertain significance. Review status: criteria provided, multiple submitters, no conflicts (2 of 4 stars). 5 submissions from 5 submitters: Uncertain significance (4). 1 of the submissions does not count toward it. Last evaluated 2024-02-12.

Conditions:
Inborn genetic diseases. Identifiers: MedGen C0950123, MeSH D030342.
Joubert syndrome. Also called: JOUBERT-BOLTSHAUSER SYNDROME; Familial aplasia of the vermis. Identifiers: Orphanet 475, MedGen C5979921, MONDO:0018772.
Meckel-Gruber syndrome. Also called: DYSENCEPHALIA SPLANCHNOCYSTICA; GRUBER SYNDROME; Dysencephalia splachnocystica. Identifiers: Orphanet 564, MedGen C0265215, MONDO:0018921.
Nephronophthisis. Also called: Juvenile Nephronophthisis. Identifiers: Orphanet 655, MedGen C0687120, MONDO:0019005, HP:0000090.
Leber congenital amaurosis (LCA). Also called: Leber's amaurosis. Identifiers: Orphanet 65, MedGen C0339527, MeSH D057130, MONDO:0018998.

Allele frequency attached by ClinVar (database versions not stated): gnomAD exomes 0.00001 and 0.00006; gnomAD 0.00003 and 0.00004; TOPMed 0.00005.
gnomAD v4.1: 83 of 1,607,160 alleles (0.0052%); highest among the groups gnomAD compares: Non-Finnish European, 0.0068%; no homozygotes.

Submissions (5):

Ambry Genetics
Classification: Uncertain significance for Inborn genetic diseases. Last evaluated: 2024-02-12. Review status: criteria provided, single submitter. Criteria: Ambry Variant Classification Scheme 2023. Collection method: clinical testing. Allele origin: germline.

GeneDx
Classification: Uncertain significance. Last evaluated: 2023-04-05. Review status: criteria provided, single submitter. Criteria: GeneDx Variant Classification Process June 2021. Collection method: clinical testing. Allele origin: germline. Affected: yes.
Comment: Not observed at significant frequency in large population cohorts (gnomAD); In silico analysis supports that this missense variant has a deleterious effect on protein structure/function; Has not been previously published as pathogenic or benign to our knowledge

Labcorp Genetics (formerly Invitae), Labcorp
Classification: Uncertain significance for Joubert syndrome; Meckel-Gruber syndrome; Nephronophthisis. Last evaluated: 2022-10-17. Review status: criteria provided, single submitter. Criteria: Invitae Variant Classification Sherloc (09022015). Collection method: clinical testing. Allele origin: germline.
Comment: This sequence change replaces glycine, which is neutral and non-polar, with alanine, which is neutral and non-polar, at codon 710 of the CEP290 protein (p.Gly710Ala). The frequency data for this variant in the population databases is considered unreliable, as metrics indicate poor data quality at this position in the gnomAD database. This variant has not been reported in the literature in individuals affected with CEP290-related conditions. ClinVar contains an entry for this variant (Variation ID: 844364). Advanced modeling of protein sequence and biophysical properties (such as structural, functional, and spatial information, amino acid conservation, physicochemical variation, residue mobility, and thermodynamic stability) performed at Invitae indicates that this missense variant is expected to disrupt CEP290 protein function. In summary, the available evidence is currently insufficient to determine the role of this variant in disease. Therefore, it has been classified as a Variant of Uncertain Significance.

Blueprint Genetics
Classification: Uncertain significance. Last evaluated: 2022-05-04. Review status: criteria provided, single submitter. Criteria: ACMG Guidelines, 2015. Collection method: clinical testing. Allele origin: germline.

Natera, Inc.
Classification: Uncertain significance for Leber congenital amaurosis. Last evaluated: 2020-08-31. Review status: no assertion criteria provided. Collection method: clinical testing. Allele origin: germline. Not counted in ClinVar's aggregate classification.

NM_025114.4(CEP290):c.2129G>C (p.Gly710Ala)

Gene: CEP290 (centrosomal protein 290; minus strand). Cytogenetic location: 12q21.32.
Variant type: single nucleotide variant.
Coding change: c.2129G>C on transcript NM_025114.4 (MANE Select); coding-DNA position 2129, G replaced by C.
Protein change: p.Gly710Ala; replaces glycine 710 with alanine.
Molecular consequence: missense variant.
Genome position (GRCh38, 1-based): chr12:88,111,782, C>G on the plus strand (G>C on the coding strand, the complement: CEP290 is on the minus strand). VCF-style: chr12-88111782-C-G. GRCh37 (hg19) VCF-style: chr12-88505559-C-G.
Other names: short protein forms G710A.
Identifiers: ClinVar variation 844364 (VCV000844364.7), dbSNP rs969763835, ClinGen allele CA241149476.